The following is an entry in ClinVar:

NM_001999.4(FBN2):c.4103T>C (p.Val1368Ala)

Gene: FBN2 (fibrillin 2; minus strand). Cytogenetic location: 5q23.3.
Variant type: single nucleotide variant.
Coding change: c.4103T>C on transcript NM_001999.4 (MANE Select); coding-DNA position 4103, T replaced by C.
Protein change: p.Val1368Ala; replaces valine 1368 with alanine.
Molecular consequence: missense variant.
Genome position (GRCh38, 1-based): chr5:128,333,031, A>G on the plus strand (T>C on the coding strand, the complement: FBN2 is on the minus strand). VCF-style: chr5-128333031-A-G. GRCh37 (hg19) VCF-style: chr5-127668723-A-G.
Other names: short protein forms V1368A.
Identifiers: ClinVar variation 1525288 (VCV001525288.9), dbSNP rs28763942, ClinGen allele CA3395051.

ClinVar aggregate classification (germline): Conflicting classifications of pathogenicity. Review status: criteria provided, conflicting classifications (1 of 4 stars). 3 submissions from 3 submitters: Uncertain significance (2); Likely benign (1). Last evaluated 2025-08-03.

Conditions:
Familial thoracic aortic aneurysm and aortic dissection (TAAD). Also called: Thoracic aortic aneurysms and dissections. Identifiers: Orphanet 91387, MedGen C4707243, MONDO:0019625.
Congenital contractural arachnodactyly (CCA). Also called: BEALS SYNDROME; Beals-Hecht syndrome; Arthrogryposis, distal, type 9. Identifiers: Orphanet 115, MedGen C0220668, MONDO:0007363, OMIM 121050.

Allele frequency attached by ClinVar (database versions not stated): ExAC 0.00002; ESP Exome Variant Server 0.00008; 1000 Genomes Project 30x 0.00016; gnomAD 0.00003; TOPMed 0.00003; 1000 Genomes Project 0.00020; gnomAD exomes 0.00002.
gnomAD v4.1: 32 of 1,610,868 alleles (0.002%); highest among the groups gnomAD compares: Non-Finnish European, 0.0025%; no homozygotes.

Submissions (3):

Labcorp Genetics (formerly Invitae), Labcorp
Classification: Likely benign for Congenital contractural arachnodactyly. Last evaluated: 2025-08-03. Review status: criteria provided, single submitter. Criteria: Invitae Variant Classification Sherloc (09022015). Collection method: clinical testing. Allele origin: germline.

Centre of Medical Genetics, University of Antwerp
Classification: Uncertain significance for Familial thoracic aortic aneurysm and aortic dissection. Last evaluated: 2024-09-06. Review status: criteria provided, single submitter. Criteria: ACMG Guidelines, 2015. Collection method: clinical testing. Allele origin: germline. Affected: yes.

Ambry Genetics
Classification: Uncertain significance for Familial thoracic aortic aneurysm and aortic dissection. Last evaluated: 2021-07-09. Review status: criteria provided, single submitter. Criteria: Ambry Variant Classification Scheme 2023. Collection method: clinical testing. Allele origin: germline.
Comment: The p.V1368A variant (also known as c.4103T>C), located in coding exon 32 of the FBN2 gene, results from a T to C substitution at nucleotide position 4103, and is located in the cbEGF-like #19 domain. The valine at codon 1368 is replaced by alanine, an amino acid with similar properties. This amino acid position is well conserved in available vertebrate species. In addition, this alteration is predicted to be deleterious by in silico analysis. Since supporting evidence is limited at this time, the clinical significance of this alteration remains unclear.